The following is an entry in ClinVar:

NM_015100.4(POGZ):c.1679-1G>A

Gene: POGZ (pogo transposable element derived with ZNF domain; minus strand). Cytogenetic location: 1q21.3.
Variant type: single nucleotide variant.
Coding change: c.1679-1G>A on transcript NM_015100.4 (MANE Select); the canonical splice acceptor site of the intron before coding-DNA position 1679, G replaced by A.
Molecular consequence: splice acceptor variant.
Genome position (GRCh38, 1-based): chr1:151,412,397, C>T on the plus strand (G>A on the coding strand, the complement: POGZ is on the minus strand). VCF-style: chr1-151412397-C-T. GRCh37 (hg19) VCF-style: chr1-151384873-C-T.
Other names: c.1493-1G>A (NM_001194938.2); c.1394-1G>A (NM_145796.4); c.1652-1G>A (NM_001194937.2); c.1700-1G>A (NM_001410860.1); c.1520-1G>A (NM_207171.2).
Identifiers: ClinVar variation 1803698 (VCV001803698.4), dbSNP rs2529281983, ClinGen allele CA341965390.
Genomic context (GRCh38, chr1:151,412,397, plus strand): 5'-TCATATGCTGGAGAAATAGTGGCTCACTTTCAAACGCCCATTCACAGATCTTGCACTTGG[C>T]TGTAAGAAGAAAAGTAATCAATAAATCCACTTGAAAATAAGACAAAAGTCCTGCTGACTC-3'

ClinVar aggregate classification (germline): Pathogenic/Likely pathogenic. Review status: criteria provided, multiple submitters, no conflicts (2 of 4 stars). 2 submissions from 2 submitters: Pathogenic (1); Likely pathogenic (1). Last evaluated 2024-02-23.

Conditions:
Intellectual disability-microcephaly-strabismus-behavioral abnormalities syndrome. Also called: White-Sutton Syndrome. Identifiers: Orphanet 468678, MedGen C4225351, MONDO:0014606, OMIM 616364.
POGZ-related disorder. Also called: POGZ-related condition.

Submissions (2):

Blueprint Genetics
Classification: Likely pathogenic for POGZ-related disorders. Last evaluated: 2024-02-23. Review status: criteria provided, single submitter. Criteria: ACMG Guidelines, 2015. Collection method: clinical testing. Allele origin: germline. Affected: yes. Observed: 1 variant allele.

Illumina Laboratory Services, Illumina
Classification: Pathogenic for Intellectual disability-microcephaly-strabismus-behavioral abnormalities syndrome. Last evaluated: 2022-04-01. Review status: criteria provided, single submitter. Criteria: ICSLVariantClassificationCriteria RUGD 01 April 2020. Collection method: clinical testing. Allele origin: unknown.
Comment: The POGZ c.1679-1G>A variant results in the substitution of a guanine within the consensus splice acceptor site with an adenine, which may result in splicing defects. To our knowledge, this variant has not been reported in the peer-reviewed literature, however another variant in this splice region, c.1679-3C>G, has been reported in a heterozygous de novo state in one individual clinically diagnosed with Dubowitz syndrome, but noted to show some overlapping clinical features with White-Sutton syndrome but to lack the characteristic behavioral and gastrointestinal phenotypes (PMID: 33098347). This variant is not found in version 2.1.1 or version 3.1.2 of the Genome Aggregation Database. Based on the available evidence, the c.1679-1G>A variant is classified as pathogenic for White-Sutton syndrome.

Literature cited by the submitters: PubMed 33098347 (cited by Illumina Laboratory Services, Illumina).